The following is an entry in ClinVar:

ClinVar aggregate classification (germline): Uncertain significance (1 of 4 stars; one submission).

Submission:

Labcorp Genetics (formerly Invitae), Labcorp
Classification: Uncertain significance. Last evaluated: 2022-12-31. Review status: criteria provided, single submitter. Criteria: Invitae Variant Classification Sherloc (09022015). Collection method: clinical testing. Allele origin: germline.
Comment: This variant is present in population databases (rs781363569, gnomAD 0.04%), and has an allele count higher than expected for a pathogenic variant. This sequence change falls in intron 18 of the SORL1 gene. It does not directly change the encoded amino acid sequence of the SORL1 protein. It affects a nucleotide within the consensus splice site. This variant has not been reported in the literature in individuals affected with SORL1-related conditions. In summary, the available evidence is currently insufficient to determine the role of this variant in disease. Therefore, it has been classified as a Variant of Uncertain Significance. Variants that disrupt the consensus splice site are a relatively common cause of aberrant splicing (PMID: 17576681, 9536098). Algorithms developed to predict the effect of sequence changes on RNA splicing suggest that this variant is not likely to affect RNA splicing.

Literature cited by the submitters: PubMed 17576681; PubMed 9536098.

NM_003105.6(SORL1):c.2571+5_2571+11dup

Gene: SORL1 (sortilin related receptor 1; plus strand). Cytogenetic location: 11q24.1.
Variant type: Duplication.
Coding change: c.2571+5_2571+11dup on transcript NM_003105.6 (MANE Select); bases 5 to 11 of the intron after coding-DNA position 2571, 7 bases duplicated (GTGTATT; older notation c.2571+5_2571+11dupGTGTATT).
Molecular consequence: intron variant.
Genome position (GRCh38, 1-based): chr11:121,555,323-121,555,329, GTGTATT duplicated; duplicating any 7 consecutive bases within chr11:121,555,322-121,555,329 gives the same sequence; the c. name uses the placement nearest the transcript's 3' end. VCF-style (leftmost placement, unchanged base first): chr11-121555321-A-ATGTGTAT. GRCh37 (hg19) VCF-style: chr11-121426030-A-ATGTGTAT.
Identifiers: ClinVar variation 2962723 (VCV002962723.3), dbSNP rs781363569, ClinGen allele CA6328978.